The following is an entry in ClinVar:

ClinVar aggregate classification (germline): Uncertain significance (1 of 4 stars; one submission).

Conditions:
LEPR-related disorder. Also called: LEPR-related condition; LEPR-related disorders.

Submission:

PreventionGenetics, part of Exact Sciences
Classification: Uncertain significance for LEPR-related condition. Last evaluated: 2025-11-18. Review status: criteria provided, single submitter. Criteria: ACMG Guidelines, 2015. Collection method: clinical testing. Allele origin: germline.
Comment: The LEPR c.2372C>A variant is predicted to result in the amino acid substitution p.Ser791Tyr. This variant was observed in a cohort of individuals with obesity, and in vitro functional studies showed function similar to wild-type levels (Supplemental Data Set, Shah et al. 2023. PubMed ID: 36864747). This variant is reported in 0.0033% of alleles in individuals of South Asian descent in gnomAD. At this time, the clinical significance of this variant is uncertain due to the absence of conclusive functional and genetic evidence.

NM_002303.6(LEPR):c.2372C>A (p.Ser791Tyr)

Gene: LEPR (leptin receptor; plus strand). Cytogenetic location: 1p31.3.
Variant type: single nucleotide variant.
Coding change: c.2372C>A on transcript NM_002303.6 (MANE Select); coding-DNA position 2372, C replaced by A.
Protein change: p.Ser791Tyr; replaces serine 791 with tyrosine.
Molecular consequence: missense variant.
Genome position (GRCh38, 1-based): chr1:65,618,123, C>A. VCF-style: chr1-65618123-C-A. GRCh37 (hg19) VCF-style: chr1-66083806-C-A.
Other names: c.2372C>A, p.Ser791Tyr (NM_001003679.3, NM_001003680.3, NM_001198687.2 and 2 more transcripts); short protein forms S791Y.
Identifiers: ClinVar variation 4982789 (VCV004982789.1).
Genomic context (GRCh38, chr1:65,618,123, plus strand): 5'-TTATTGAGTGGAAAAATCTTAATGAAGATGGTGAAATAAAATGGCTTAGAATCTCTTCAT[C>A]TGTTAAGAAGTATTATATCCATGGTAAGTTTACTATACTTTAGTAAGTTGCTCTCATGGA-3'
Protein context (NP_002294.2, residues 781-801): GEIKWLRISS[Ser791Tyr]VKKYYIHDHF